The following is an entry in ClinVar:

NM_018975.4(TERF2IP):c.239C>G (p.Ser80Cys)

Gene: TERF2IP (TERF2 interacting protein; plus strand). Cytogenetic location: 16q23.1.
Variant type: single nucleotide variant.
Coding change: c.239C>G on transcript NM_018975.4 (MANE Select); coding-DNA position 239, C replaced by G.
Protein change: p.Ser80Cys; replaces serine 80 with cysteine.
Molecular consequence: missense variant. On other transcripts: non-coding transcript variant (1).
Genome position (GRCh38, 1-based): chr16:75,648,121, C>G. VCF-style: chr16-75648121-C-G. GRCh37 (hg19) VCF-style: chr16-75682019-C-G.
Other names: short protein forms S80C.
Identifiers: ClinVar variation 1790676 (VCV001790676.2), dbSNP rs1330041659, ClinGen allele CA396817504.

ClinVar aggregate classification (germline): Uncertain significance (1 of 4 stars; one submission).

Allele frequency attached by ClinVar (database versions not stated): gnomAD exomes below 0.00001.
gnomAD v4.1: 2 of 1,558,594 alleles (0.00013%); highest among the groups gnomAD compares: African/African-American, 0.0013%; no homozygotes.

Submission:

Ambry Genetics
Classification: Uncertain significance. Last evaluated: 2023-11-04. Review status: criteria provided, single submitter. Criteria: Ambry Variant Classification Scheme 2023. Collection method: clinical testing. Allele origin: germline.
Comment: The p.S80C variant (also known as c.239C>G), located in coding exon 1 of the TERF2IP gene, results from a C to G substitution at nucleotide position 239. The serine at codon 80 is replaced by cysteine, an amino acid with dissimilar properties. This amino acid position is conserved. In addition, this alteration is predicted to be deleterious by in silico analysis. Since supporting evidence is limited at this time, the clinical significance of this alteration remains unclear.